The following is an entry in ClinVar:

NM_002471.4(MYH6):c.184G>A (p.Glu62Lys)

Genes: MYH6 (myosin heavy chain 6; minus strand), LOC114827851 (VISTA enhancer hs2155; plus strand). Cytogenetic location: 14q11.2.
Variant type: single nucleotide variant.
Coding change: c.184G>A on transcript NM_002471.4 (MANE Select); coding-DNA position 184, G replaced by A.
Protein change: p.Glu62Lys; replaces glutamic acid 62 with lysine.
Molecular consequence: missense variant.
Genome position (GRCh38, 1-based): chr14:23,407,040, C>T on the plus strand (G>A on the coding strand, the complement: MYH6 is on the minus strand). VCF-style: chr14-23407040-C-T. GRCh37 (hg19) VCF-style: chr14-23876249-C-T.
Other names: short protein forms E62K.
Identifiers: ClinVar variation 966375 (VCV000966375.7), dbSNP rs1891810495, ClinGen allele CA389031891.

ClinVar aggregate classification (germline): Uncertain significance (1 of 4 stars; one submission).

Conditions:
Hypertrophic cardiomyopathy 14. Identifiers: MedGen C2750467, MONDO:0013197, OMIM 613251.

Submission:

Labcorp Genetics (formerly Invitae), Labcorp
Classification: Uncertain significance for Hypertrophic cardiomyopathy 14. Last evaluated: 2023-07-10. Review status: criteria provided, single submitter. Criteria: Invitae Variant Classification Sherloc (09022015). Collection method: clinical testing. Allele origin: germline.
Comment: This sequence change replaces glutamic acid, which is acidic and polar, with lysine, which is basic and polar, at codon 62 of the MYH6 protein (p.Glu62Lys). This variant is not present in population databases (gnomAD no frequency). This variant has not been reported in the literature in individuals affected with MYH6-related conditions. ClinVar contains an entry for this variant (Variation ID: 966375). Advanced modeling of protein sequence and biophysical properties (such as structural, functional, and spatial information, amino acid conservation, physicochemical variation, residue mobility, and thermodynamic stability) performed at Invitae indicates that this missense variant is not expected to disrupt MYH6 protein function. In summary, the available evidence is currently insufficient to determine the role of this variant in disease. Therefore, it has been classified as a Variant of Uncertain Significance.